The following is an entry in ClinVar:

NM_032520.5(GNPTG):c.52+1G>A

Genes: GNPTG (N-acetylglucosamine-1-phosphate transferase subunit gamma; plus strand), LOC130058158 (ATAC-STARR-seq lymphoblastoid silent region 6972; plus strand). Cytogenetic location: 16p13.3.
Variant type: single nucleotide variant.
Coding change: c.52+1G>A on transcript NM_032520.5 (MANE Select); the canonical splice donor site of the intron after coding-DNA position 52, G replaced by A.
Molecular consequence: splice donor variant.
Genome position (GRCh38, 1-based): chr16:1,352,018, G>A. VCF-style: chr16-1352018-G-A. GRCh37 (hg19) VCF-style: chr16-1402019-G-A.
Identifiers: ClinVar variation 1345852 (VCV001345852.8), dbSNP rs2141632749, ClinGen allele CA394183944.

ClinVar aggregate classification (germline): Likely pathogenic (1 of 4 stars; one submission).

gnomAD v4.1: 1 of 1,474,470 alleles (0.000068%); highest among the groups gnomAD compares: Non-Finnish European, 0.000089%; no homozygotes.

Submission:

Labcorp Genetics (formerly Invitae), Labcorp
Classification: Likely pathogenic. Last evaluated: 2023-01-22. Review status: criteria provided, single submitter. Criteria: Invitae Variant Classification Sherloc (09022015). Collection method: clinical testing. Allele origin: germline.
Comment: This variant has not been reported in the literature in individuals affected with GNPTG-related conditions. This variant is not present in population databases (gnomAD no frequency). This sequence change affects a donor splice site in intron 1 of the GNPTG gene. It is expected to disrupt RNA splicing. Variants that disrupt the donor or acceptor splice site typically lead to a loss of protein function (PMID: 16199547), and loss-of-function variants in GNPTG are known to be pathogenic (PMID: 19370764, 20301784). ClinVar contains an entry for this variant (Variation ID: 1345852). In summary, the currently available evidence indicates that the variant is pathogenic, but additional data are needed to prove that conclusively. Therefore, this variant has been classified as Likely Pathogenic. Algorithms developed to predict the effect of sequence changes on RNA splicing suggest that this variant may disrupt the consensus splice site.

Literature cited by the submitters: PubMed 16199547; PubMed 19370764; PubMed 20301784.